The following is an entry in ClinVar:

ClinVar aggregate classification (germline): Uncertain significance (1 of 4 stars; one submission).

Conditions:
POLD1-related polyposis and colorectal cancer syndrome (CRCS10). Also called: COLORECTAL CANCER, SUSCEPTIBILITY TO, ON CHROMOSOME 19q; Colorectal cancer 10; Colorectal cancer, susceptibility to, 10. Identifiers: Orphanet 220460, MedGen C2675481, MONDO:0012953, OMIM 612591.

gnomAD v4.1: 1 of 1,613,892 alleles (0.000062%); highest among the groups gnomAD compares: Non-Finnish European, 0.000085%; no homozygotes.

Submission:

Labcorp Genetics (formerly Invitae), Labcorp
Classification: Uncertain significance for POLD1-related polyposis and colorectal cancer syndrome. Last evaluated: 2025-03-02. Review status: criteria provided, single submitter. Criteria: Invitae Variant Classification Sherloc (09022015). Collection method: clinical testing. Allele origin: germline.
Comment: This sequence change replaces glycine, which is neutral and non-polar, with tryptophan, which is neutral and slightly polar, at codon 129 of the POLD1 protein (p.Gly129Trp). This variant is not present in population databases (gnomAD no frequency). This variant has not been reported in the literature in individuals affected with POLD1-related conditions. Invitae Evidence Modeling of protein sequence and biophysical properties (such as structural, functional, and spatial information, amino acid conservation, physicochemical variation, residue mobility, and thermodynamic stability) indicates that this missense variant is expected to disrupt POLD1 protein function with a positive predictive value of 80%. In summary, the available evidence is currently insufficient to determine the role of this variant in disease. Therefore, it has been classified as a Variant of Uncertain Significance.

NM_002691.4(POLD1):c.385G>T (p.Gly129Trp)

Gene: POLD1 (DNA polymerase delta 1, catalytic subunit; plus strand). Cytogenetic location: 19q13.33.
Variant type: single nucleotide variant.
Coding change: c.385G>T on transcript NM_002691.4 (MANE Select); coding-DNA position 385, G replaced by T.
Protein change: p.Gly129Trp; replaces glycine 129 with tryptophan.
Molecular consequence: missense variant. On other transcripts: non-coding transcript variant (1).
Genome position (GRCh38, 1-based): chr19:50,401,846, G>T. VCF-style: chr19-50401846-G-T. GRCh37 (hg19) VCF-style: chr19-50905103-G-T.
Other names: c.385G>T, p.Gly129Trp (NM_001256849.1, NM_001308632.1, NM_001438210.1 and 3 more transcripts); short protein forms G129W.
Identifiers: ClinVar variation 4741157 (VCV004741157.1).